The following is an entry in ClinVar:

NM_130466.4(UBE3B):c.1459T>C (p.Tyr487His)

Gene: UBE3B (ubiquitin protein ligase E3B; plus strand). Cytogenetic location: 12q24.11.
Variant type: single nucleotide variant.
Coding change: c.1459T>C on transcript NM_130466.4 (MANE Select); coding-DNA position 1459, T replaced by C.
Protein change: p.Tyr487His; replaces tyrosine 487 with histidine.
Molecular consequence: missense variant.
Genome position (GRCh38, 1-based): chr12:109,507,572, T>C. VCF-style: chr12-109507572-T-C. GRCh37 (hg19) VCF-style: chr12-109945377-T-C.
Other names: c.1459T>C, p.Tyr487His (NM_183415.3); c.1459T>C (NM_130466.2); short protein forms Y487H.
Identifiers: ClinVar variation 2421917 (VCV002421917.7), dbSNP rs769063939, ClinGen allele CA6777912.

ClinVar aggregate classification (germline): Uncertain significance. Review status: criteria provided, multiple submitters, no conflicts (2 of 4 stars). 2 submissions from 2 submitters: Uncertain significance (2). Last evaluated 2024-11-21.

Conditions:
Inborn genetic diseases. Identifiers: MedGen C0950123, MeSH D030342.

Allele frequency attached by ClinVar (database versions not stated): ExAC 0.00001; gnomAD exomes 0.00002; TOPMed 0.00002; gnomAD 0.00003.
gnomAD v4.1: 27 of 1,613,348 alleles (0.0017%); highest among the groups gnomAD compares: Non-Finnish European, 0.0023%; no homozygotes.

Submissions (2):

Labcorp Genetics (formerly Invitae), Labcorp
Classification: Uncertain significance. Last evaluated: 2024-11-21. Review status: criteria provided, single submitter. Criteria: Invitae Variant Classification Sherloc (09022015). Collection method: clinical testing. Allele origin: germline.
Comment: This sequence change replaces tyrosine, which is neutral and polar, with histidine, which is basic and polar, at codon 487 of the UBE3B protein (p.Tyr487His). This variant is present in population databases (rs769063939, gnomAD 0.002%). This variant has not been reported in the literature in individuals affected with UBE3B-related conditions. ClinVar contains an entry for this variant (Variation ID: 2421917). Invitae Evidence Modeling of protein sequence and biophysical properties (such as structural, functional, and spatial information, amino acid conservation, physicochemical variation, residue mobility, and thermodynamic stability) indicates that this missense variant is not expected to disrupt UBE3B protein function with a negative predictive value of 80%. In summary, the available evidence is currently insufficient to determine the role of this variant in disease. Therefore, it has been classified as a Variant of Uncertain Significance.

Ambry Genetics
Classification: Uncertain significance for Inborn genetic diseases. Last evaluated: 2024-01-02. Review status: criteria provided, single submitter. Criteria: Ambry Variant Classification Scheme 2023. Collection method: clinical testing. Allele origin: germline.